The following is an entry in ClinVar:

ClinVar aggregate classification (germline): Pathogenic/Likely pathogenic. Review status: criteria provided, multiple submitters, no conflicts (2 of 4 stars). 3 submissions from 3 submitters: Pathogenic (2); Likely pathogenic (1). Last evaluated 2024-10-24.

Conditions:
Hereditary cancer-predisposing syndrome. Also called: Tumor predisposition; Hereditary Cancer Syndrome; Hereditary neoplastic syndrome; Neoplastic Syndromes, Hereditary. Identifiers: Orphanet 140162, MedGen C0027672, MeSH D009386, MONDO:0015356.
Nijmegen breakage syndrome-like disorder (NBSLD). Also called: MICROCEPHALY AND SPONTANEOUS CHROMOSOME INSTABILITY WITHOUT IMMUNODEFICIENCY; NBS-LIKE DISORDER; RAD50 DEFICIENCY. Identifiers: Orphanet 240760, MedGen C2751318, MONDO:0013118, OMIM 613078.

gnomAD v4.1: 64 of 1,614,088 alleles (0.004%); highest among the groups gnomAD compares: Non-Finnish European, 0.0045%; no homozygotes.

Submissions (3):

Labcorp Genetics (formerly Invitae), Labcorp
Classification: Pathogenic for Hereditary cancer-predisposing syndrome. Last evaluated: 2024-10-24. Review status: criteria provided, single submitter. Criteria: Invitae Variant Classification Sherloc (09022015). Collection method: clinical testing. Allele origin: germline.
Comment: This sequence change creates a premature translational stop signal (p.Glu676*) in the RAD50 gene. It is expected to result in an absent or disrupted protein product. Loss-of-function variants in RAD50 are known to be pathogenic (PMID: 19409520). This variant is present in population databases (rs773761143, gnomAD 0.03%). This variant has not been reported in the literature in individuals affected with RAD50-related conditions. ClinVar contains an entry for this variant (Variation ID: 486238). Algorithms developed to predict the effect of sequence changes on RNA splicing suggest that this variant may disrupt the consensus splice site. For these reasons, this variant has been classified as Pathogenic.

Ambry Genetics
Classification: Pathogenic for Hereditary cancer-predisposing syndrome. Last evaluated: 2022-09-27. Review status: criteria provided, single submitter. Criteria: Ambry Variant Classification Scheme 2023. Collection method: clinical testing. Allele origin: germline.
Comment: The p.E676* pathogenic mutation (also known as c.2026G>T), located in coding exon 13 of the RAD50 gene, results from a G to T substitution at nucleotide position 2026. This changes the amino acid from a glutamic acid to a stop codon within coding exon 13. This alteration is expected to result in loss of function by premature protein truncation or nonsense-mediated mRNA decay. As such, this alteration is interpreted as a disease-causing mutation.

Baylor Genetics
Classification: Likely pathogenic for Nijmegen breakage syndrome-like disorder. Last evaluated: 2021-09-03. Review status: criteria provided, single submitter. Criteria: ACMG Guidelines, 2015. Collection method: clinical testing. Allele origin: unknown.

Literature cited by the submitters: PubMed 19409520 (cited by Labcorp Genetics (formerly Invitae), Labcorp).

NM_005732.4(RAD50):c.2026G>T (p.Glu676Ter)

Gene: RAD50 (RAD50 double strand break repair protein; plus strand). Cytogenetic location: 5q31.1.
Variant type: single nucleotide variant.
Coding change: c.2026G>T on transcript NM_005732.4 (MANE Select); coding-DNA position 2026, G replaced by T.
Protein change: p.Glu676Ter; replaces glutamic acid 676 with a stop codon.
Molecular consequence: nonsense.
Genome position (GRCh38, 1-based): chr5:132,595,629, G>T. VCF-style: chr5-132595629-G-T. GRCh37 (hg19) VCF-style: chr5-131931321-G-T.
Other names: short protein forms E676*.
Identifiers: ClinVar variation 486238 (VCV000486238.15), dbSNP rs773761143, ClinGen allele CA3405319.
Genomic context (GRCh38, chr5:132,595,629, plus strand): 5'-ATAGCCATGCTGGCTGGAGCCACAGCAGTTTACTCCCAGTTCATTACTCAGCTAACAGAC[G>T]AAAACCAGTCATGTTGCCCCGTTTGTCAGAGAGTTTTTCAGACAGAGGCTGAGTTACAAG-3'